The following is an entry in ClinVar:

NM_007194.4(CHEK2):c.937G>A (p.Val313Met)

Gene: CHEK2 (checkpoint kinase 2; minus strand). Cytogenetic location: 22q12.1.
Variant type: single nucleotide variant.
Coding change: c.937G>A on transcript NM_007194.4 (MANE Select); coding-DNA position 937, G replaced by A.
Protein change: p.Val313Met; replaces valine 313 with methionine.
Molecular consequence: missense variant.
Genome position (GRCh38, 1-based): chr22:28,699,909, C>T on the plus strand (G>A on the coding strand, the complement: CHEK2 is on the minus strand). VCF-style: chr22-28699909-C-T. GRCh37 (hg19) VCF-style: chr22-29095897-C-T.
Other names: p.Val313Met; c.274G>A, p.Val92Met (NM_001257387.3); c.736G>A, p.Val246Met (NM_001349956.3); c.937G>A, p.Val313Met (NM_145862.3); c.1066G>A, p.Val356Met (NM_001005735.3); short protein forms V313M, V92M, V356M, V246M.
Identifiers: ClinVar variation 410041 (VCV000410041.31), dbSNP rs752302543, ClinGen allele CA10167775.

ClinVar aggregate classification (germline): Uncertain significance/VUS-high. Review status: criteria provided, multiple submitters, no conflicts (2 of 4 stars). 11 submissions from 11 submitters: Uncertain significance (9); VUS-high (1). 1 of the submissions does not count toward it. Last evaluated 2026-08-22.

Conditions:
Familial cancer of breast. Also called: BREAST CANCER, FAMILIAL; Hereditary breast cancer; hereditary breast carcinoma. Identifiers: Orphanet 227535, MedGen C0346153, MONDO:0016419, OMIM 114480. Disease mechanism: loss of function.
CHEK2-related cancer predisposition (TPDS4). Also called: TUMOR PREDISPOSITION SYNDROME 4; CANCER PREDISPOSITION SYNDROME, CHEK2-RELATED; CHEK2-related cancer susceptibility. Identifiers: Orphanet 524, MedGen C5882668, MONDO:0700271, OMIM 609265.
Prostate cancer. Also called: Malignant tumor of prostate. Identifiers: Orphanet 1331, MedGen C0376358, MONDO:0008315, HP:0012125.
Bone osteosarcoma. Also called: Osteosarcoma, somatic. Identifiers: Orphanet 668, MedGen C0585442, MONDO:0002629, OMIM 259500.
Hereditary cancer-predisposing syndrome. Also called: Neoplastic Syndromes, Hereditary; Hereditary Cancer Syndrome; Hereditary neoplastic syndrome; Tumor predisposition. Identifiers: Orphanet 140162, MedGen C0027672, MeSH D009386, MONDO:0015356.

Allele frequency attached by ClinVar (database versions not stated): TOPMed 0.00001; gnomAD exomes 0.00002 and 0.00006; ExAC 0.00006.

Submissions (11):

Dr. Zeinali's Medical Genetics Lab, Kawsar Human Genetics Research Center
Classification: VUS-high for Familial cancer of breast. Last evaluated: 2026-08-22. Review status: criteria provided, single submitter. Criteria: ACMG Guidelines, 2015. Collection method: clinical testing. Allele origin: germline. Inheritance: Autosomal dominant inheritance. Affected: yes. Observed: 1 variant allele, 1 heterozygote.
Comment: CHEK2 c.937G>A (p.Val313Met) is a missense variant resulting in the substitution of valine by methionine at codon 313. The variant has been reported in individuals with personal or family histories of breast and/or ovarian cancer (PMIDs: 29470806, 30982232). The affected amino acid residue is highly conserved, and multiple computational prediction tools, including AlphaMissense, SIFT, PolyPhen-2, Varity, MutationTaster, and DANN, predict a deleterious effect on CHEK2 protein function . However, computational predictions alone are insufficient to establish pathogenicity. The variant has been observed in a large-scale breast cancer association study in an individual with breast cancer and in one reportedly unaffected individual (PMID: 33471991). Functional evidence available to date is inconclusive regarding the effect of p.Val313Met on CHEK2 protein function (PMID: 37449874). This observation provides relevant clinical context but is insufficient, in isolation, to establish pathogenicity. Overall, the available clinical, population, computational, and functional evidence is insufficient to establish the clinical significance of this variant. Based on the available evidence, CHEK2 c.937G>A (p.Val313Met) is classified as a Variant of Uncertain Significance (VUS).

Ambry Genetics
Classification: Uncertain significance for Hereditary cancer-predisposing syndrome. Last evaluated: 2025-11-17. Review status: criteria provided, single submitter. Criteria: Ambry Variant Classification Scheme 2023. Collection method: clinical testing. Allele origin: germline.
Comment: The p.V313M variant (also known as c.937G>A), located in coding exon 8 of the CHEK2 gene, results from a G to A substitution at nucleotide position 937. The valine at codon 313 is replaced by methionine, an amino acid with highly similar properties. This variant was observed in a study of 1010 unrelated Indian patients with breast and/or ovarian cancer (Singh J et al. Breast Cancer Res Treat, 2018 Jul;170:189-196). This alteration was also identified in a cohort of 481 Chinese breast cancer patients with family history of breast/ovarian cancer (Wang J et al. Cancer Med, 2019 May;8:2074-2084). This amino acid position is highly conserved in available vertebrate species. In addition, the in silico prediction for this alteration is inconclusive. Since supporting evidence is limited at this time, the clinical significance of this alteration remains unclear.

Labcorp Genetics (formerly Invitae), Labcorp
Classification: Uncertain significance for Familial cancer of breast. Last evaluated: 2025-01-24. Review status: criteria provided, single submitter. Criteria: Invitae Variant Classification Sherloc (09022015). Collection method: clinical testing. Allele origin: germline.
Comment: This sequence change replaces valine, which is neutral and non-polar, with methionine, which is neutral and non-polar, at codon 313 of the CHEK2 protein (p.Val313Met). This variant is present in population databases (rs752302543, gnomAD 0.05%), and has an allele count higher than expected for a pathogenic variant. This missense change has been observed in individual(s) with breast and/or ovarian cancer (PMID: 29470806, 30982232). ClinVar contains an entry for this variant (Variation ID: 410041). An algorithm developed to predict the effect of missense changes on protein structure and function (PolyPhen-2) suggests that this variant is likely to be disruptive. Experimental studies are conflicting or provide insufficient evidence to determine the effect of this variant on CHEK2 function (PMID: 37449874). In summary, the available evidence is currently insufficient to determine the role of this variant in disease. Therefore, it has been classified as a Variant of Uncertain Significance.

GeneDx
Classification: Uncertain significance. Last evaluated: 2024-11-13. Review status: criteria provided, single submitter. Criteria: GeneDx Variant Classification Process June 2021. Collection method: clinical testing. Allele origin: germline. Affected: yes.
Comment: In silico analysis supports that this missense variant has a deleterious effect on protein structure/function; Observed in large population cohorts (gnomAD; internal data); This variant is associated with the following publications: (PMID: 30982232, 22419737, 19782031, 29470806)

Color Diagnostics, LLC DBA Color Health
Classification: Uncertain significance for Hereditary cancer-predisposing syndrome. Last evaluated: 2024-11-04. Review status: criteria provided, single submitter. Criteria: ACMG Guidelines, 2015. Collection method: clinical testing. Allele origin: germline.
Comment: This missense variant replaces valine with methionine at codon 313 of the CHEK2 protein. Computational prediction suggests that this variant may not impact protein structure and function. To our knowledge, functional studies have not been reported for this variant. This variant has been reported in individuals affected with breast and/or ovarian cancer (PMID: 29470806, 30982232). This variant has been identified in 15/251446 chromosomes (15/30612 South Asian chromosomes) in the general population by the Genome Aggregation Database (gnomAD). The available evidence is insufficient to determine the role of this variant in disease conclusively. Therefore, this variant is classified as a Variant of Uncertain Significance.

Quest Diagnostics Nichols Institute San Juan Capistrano
Classification: Uncertain significance. Last evaluated: 2024-04-19. Review status: criteria provided, single submitter. Criteria: Quest Diagnostics criteria. Collection method: clinical testing. Allele origin: unknown.
Comment: The CHEK2 c.937G>A (p.Val313Met) variant has been reported in the published literature in individuals with a personal or family history of breast/ovarian cancer (PMIDs: 30982232 (2019), 29470806 (2018)). In a large scale breast cancer association study, this variant was observed in an individual with breast cancer as well as in a reportedly healthy individual (PMID: 33471991 (2021), see also LOVD). An experimental study indicates this variant has inconclusive impact on CHEK2 protein function (PMID: 37449874 (2023)). The frequency of this variant in the general population, 0.00049 (15/30612 chromosomes (Genome Aggregation Database)), is uninformative in the assessment of its pathogenicity. Analysis of this variant using bioinformatics tools for the prediction of the effect of amino acid changes on protein structure and function yielded conflicting predictions that this variant is benign or damaging. Based on the available information, we are unable to determine the clinical significance of this variant.

Baylor Genetics
Classification: Uncertain significance for Familial cancer of breast. Last evaluated: 2024-02-27. Review status: criteria provided, single submitter. Criteria: ACMG Guidelines, 2015. Collection method: clinical testing. Allele origin: unknown.

KCCC/NGS Laboratory, Kuwait Cancer Control Center
Classification: Uncertain significance for Familial cancer of breast. Last evaluated: 2023-07-07. Review status: criteria provided, single submitter. Criteria: ACMG Guidelines, 2015. Collection method: clinical testing. Allele origin: unknown. Affected: yes.
Comment: The p.Val313Met variant located in coding exon 9 of the CHEK2 gene, results from a G to A substitution at nucleotide position 937. The valine at codon 313is replaced by methionine, This variant has been reported in two Indian individuals affected with breast and/or ovarian cancer (PMID: 29470806). This amino acid position is moderate conserved (PhyloP= 3.07). This variant not present in our local database nor was it identified in the Genome Aggregation Database The computational analyses (PolyPhen-2, SIFT, MutationTaster) suggest a high pathogenic impacts on the protein. ClinVar has an entry (410041) for this variant as uncertain significance submitted by five different diagnostic labs .. Since supporting evidence is limited at this time, this variant is classified as of uncertain significance.

Myriad Genetics, Inc.
Classification: Uncertain significance for Familial cancer of breast. Last evaluated: 2023-03-08. Review status: criteria provided, single submitter. Criteria: Myriad Autosomal Dominant, Autosomal Recessive and X-Linked Classification Criteria (2023). Collection method: clinical testing. Allele origin: unknown.
Comment: This variant is classified as a variant of uncertain significance as there is insufficient evidence to determine its impact on protein function and/or cancer risk.

Fulgent Genetics
Classification: Uncertain significance for Familial cancer of breast; Familial prostate cancer; Bone osteosarcoma; CHEK2-related cancer predisposition. Last evaluated: 2018-10-31. Review status: criteria provided, single submitter. Criteria: ACMG Guidelines, 2015. Collection method: clinical testing. Allele origin: unknown.

Counsyl
Classification: Uncertain significance for Familial cancer of breast. Last evaluated: 2017-11-30. Review status: no assertion criteria provided. Collection method: clinical testing. Allele origin: unknown. Not counted in ClinVar's aggregate classification.

Literature cited by the submitters: PubMed 29470806 (cited by 5 submitters); PubMed 30982232 (cited by 4 submitters); PubMed 37449874 (cited by Labcorp Genetics (formerly Invitae), Labcorp and Quest Diagnostics Nichols Institute San Juan Capistrano); PubMed 33471991 (cited by Quest Diagnostics Nichols Institute San Juan Capistrano).